The following is an entry in ClinVar:

ClinVar aggregate classification (germline): Uncertain significance. Review status: criteria provided, multiple submitters, no conflicts (2 of 4 stars). 2 submissions from 2 submitters: Uncertain significance (2). Last evaluated 2023-07-04.

Conditions:
Myoclonic dystonia 11 (DYT11). Also called: Myoclonic dystonia; Dystonia 11; Dystonia, alcohol responsive; Hereditary essential myoclonus; SGCE Myoclonus-Dystonia; Myoclonus-Dystonia. Identifiers: Orphanet 36899, MedGen C1834570, MONDO:0008044, OMIM 159900.

Allele frequency attached by ClinVar (database versions not stated): gnomAD exomes below 0.00001; TOPMed below 0.00001; gnomAD 0.00001.
gnomAD v4.1: 2 of 1,608,852 alleles (0.00012%); highest among the groups gnomAD compares: Non-Finnish European, 0.00017%; no homozygotes.

Submissions (2):

Baylor Genetics
Classification: Uncertain significance for Myoclonic dystonia 11. Last evaluated: 2023-07-04. Review status: criteria provided, single submitter. Criteria: ACMG Guidelines, 2015. Collection method: clinical testing. Allele origin: unknown.

Labcorp Genetics (formerly Invitae), Labcorp
Classification: Uncertain significance for Myoclonic dystonia 11. Last evaluated: 2023-06-27. Review status: criteria provided, single submitter. Criteria: Invitae Variant Classification Sherloc (09022015). Collection method: clinical testing. Allele origin: germline.
Comment: This sequence change replaces glutamine, which is neutral and polar, with lysine, which is basic and polar, at codon 352 of the SGCE protein (p.Gln352Lys). This variant is not present in population databases (gnomAD no frequency). This variant has not been reported in the literature in individuals affected with SGCE-related conditions. ClinVar contains an entry for this variant (Variation ID: 565603). Advanced modeling of protein sequence and biophysical properties (such as structural, functional, and spatial information, amino acid conservation, physicochemical variation, residue mobility, and thermodynamic stability) performed at Invitae indicates that this missense variant is not expected to disrupt SGCE protein function. In summary, the available evidence is currently insufficient to determine the role of this variant in disease. Therefore, it has been classified as a Variant of Uncertain Significance.

NM_003919.3(SGCE):c.1054C>A (p.Gln352Lys)

Genes: CASD1 (CAS1 domain sialic acid O acetyltransferase 1; plus strand), SGCE (sarcoglycan epsilon; minus strand). Cytogenetic location: 7q21.3.
Variant type: single nucleotide variant.
Coding change: c.1054C>A on transcript NM_003919.3 (MANE Select); coding-DNA position 1054, C replaced by A.
Protein change: p.Gln352Lys; replaces glutamine 352 with lysine.
Molecular consequence: missense variant. On other transcripts: intron variant (6).
Genome position (GRCh38, 1-based): chr7:94,599,707, G>T on the plus strand (C>A on the coding strand, the complement: SGCE is on the minus strand). VCF-style: chr7-94599707-G-T. GRCh37 (hg19) VCF-style: chr7-94229019-G-T.
Other names: c.1054C>A, p.Gln352Lys (NM_001099401.2); c.931C>A, p.Gln311Lys (NM_001301139.2); c.1162C>A, p.Gln388Lys (NM_001346713.2); c.967C>A, p.Gln323Lys (NM_001346719.2); c.781C>A, p.Gln261Lys (NM_001346720.2); c.915-744C>A (NM_001362809.2); c.1038-744C>A (NM_001346717.2, NM_001099400.2); c.1146-744C>A (NM_001346715.2); and 2 more; short protein forms Q352K, Q261K, Q311K, Q388K, Q323K.
Identifiers: ClinVar variation 565603 (VCV000565603.13), dbSNP rs1562803158, ClinGen allele CA368229574.